The following is an entry in ClinVar:

NM_002156.5(HSPD1):c.1219G>A (p.Gly407Ser)

Gene: HSPD1 (heat shock protein family D (Hsp60) member 1; minus strand). Cytogenetic location: 2q33.1.
Variant type: single nucleotide variant.
Coding change: c.1219G>A on transcript NM_002156.5 (MANE Select); coding-DNA position 1219, G replaced by A.
Protein change: p.Gly407Ser; replaces glycine 407 with serine.
Molecular consequence: missense variant.
Genome position (GRCh38, 1-based): chr2:197,488,488, C>T on the plus strand (G>A on the coding strand, the complement: HSPD1 is on the minus strand). VCF-style: chr2-197488488-C-T. GRCh37 (hg19) VCF-style: chr2-198353212-C-T.
Other names: c.1219G>A, p.Gly407Ser (NM_199440.2); short protein forms G407S.
Identifiers: ClinVar variation 527982 (VCV000527982.32), dbSNP rs781279282, ClinGen allele CA2043403.

ClinVar aggregate classification (germline): Uncertain significance. Review status: criteria provided, multiple submitters, no conflicts (2 of 4 stars). 2 submissions from 2 submitters: Uncertain significance (2). Last evaluated 2023-10-01.

Conditions:
Spastic paraplegia. Identifiers: MedGen C0037772, HP:0001258.

Allele frequency attached by ClinVar (database versions not stated): gnomAD exomes 0.00001; ExAC 0.00002.
gnomAD v4.1: 11 of 1,613,408 alleles (0.00068%); highest among the groups gnomAD compares: Non-Finnish European, 0.00068%; no homozygotes.

Submissions (2):

CeGaT Center for Human Genetics Tuebingen
Classification: Uncertain significance. Last evaluated: 2023-10-01. Review status: criteria provided, single submitter. Criteria: CeGaT Center For Human Genetics Tuebingen Variant Classification Criteria Version 2. Collection method: clinical testing. Allele origin: germline. Affected: yes. Observed: 1 variant allele.
Comment: HSPD1: PP3

Labcorp Genetics (formerly Invitae), Labcorp
Classification: Uncertain significance for Spastic paraplegia. Last evaluated: 2017-11-11. Review status: criteria provided, single submitter. Criteria: Invitae Variant Classification Sherloc (09022015). Collection method: clinical testing. Allele origin: germline.
Comment: In summary, the available evidence is currently insufficient to determine the role of this variant in disease. Therefore, it has been classified as a Variant of Uncertain Significance. Algorithms developed to predict the effect of sequence changes on RNA splicing suggest that this variant may create or strengthen a splice site, but this prediction has not been confirmed by published transcriptional studies. Algorithms developed to predict the effect of missense changes on protein structure and function do not agree on the potential impact of this missense change (SIFT: "Tolerated"; PolyPhen-2: "Probably Damaging"; Align-GVGD: "Class C0"). This variant has not been reported in the literature in individuals with HSPD1-related disease. This variant is present in population databases (rs781279282, ExAC 0.003%). This sequence change replaces glycine with serine at codon 407 of the HSPD1 protein (p.Gly407Ser). The glycine residue is highly conserved and there is a small physicochemical difference between glycine and serine.